The following is an entry in ClinVar:

NM_001378778.1(MPDZ):c.1490A>G (p.Asp497Gly)

Gene: MPDZ (multiple PDZ domain crumbs cell polarity complex component; minus strand). Cytogenetic location: 9p23.
Variant type: single nucleotide variant.
Coding change: c.1490A>G on transcript NM_001378778.1 (MANE Select); coding-DNA position 1490, A replaced by G.
Protein change: p.Asp497Gly; replaces aspartic acid 497 with glycine.
Molecular consequence: missense variant.
Genome position (GRCh38, 1-based): chr9:13,205,092, T>C on the plus strand (A>G on the coding strand, the complement: MPDZ is on the minus strand). VCF-style: chr9-13205092-T-C. GRCh37 (hg19) VCF-style: chr9-13205091-T-C.
Other names: c.1490A>G, p.Asp497Gly (NM_001261406.2, NM_001261407.2, NM_001330637.2 and 14 more transcripts); short protein forms D497G.
Identifiers: ClinVar variation 1519826 (VCV001519826.6), dbSNP rs1365902593, ClinGen allele CA372942868.

ClinVar aggregate classification (germline): Uncertain significance (1 of 4 stars; one submission).

Allele frequency attached by ClinVar (database versions not stated): gnomAD exomes below 0.00001; TOPMed below 0.00001.

Submission:

Labcorp Genetics (formerly Invitae), Labcorp
Classification: Uncertain significance. Last evaluated: 2024-03-04. Review status: criteria provided, single submitter. Criteria: Invitae Variant Classification Sherloc (09022015). Collection method: clinical testing. Allele origin: germline.
Comment: This sequence change replaces aspartic acid, which is acidic and polar, with glycine, which is neutral and non-polar, at codon 497 of the MPDZ protein (p.Asp497Gly). This variant is not present in population databases (gnomAD no frequency). This variant has not been reported in the literature in individuals affected with MPDZ-related conditions. ClinVar contains an entry for this variant (Variation ID: 1519826). An algorithm developed to predict the effect of missense changes on protein structure and function (PolyPhen-2) suggests that this variant is likely to be tolerated. In summary, the available evidence is currently insufficient to determine the role of this variant in disease. Therefore, it has been classified as a Variant of Uncertain Significance.